The following is an entry in ClinVar:

NM_012079.6(DGAT1):c.278T>C (p.Val93Ala)

Gene: DGAT1 (diacylglycerol O-acyltransferase 1; minus strand). Cytogenetic location: 8q24.3.
Variant type: single nucleotide variant.
Coding change: c.278T>C on transcript NM_012079.6 (MANE Select); coding-DNA position 278, T replaced by C.
Protein change: p.Val93Ala; replaces valine 93 with alanine.
Molecular consequence: missense variant.
Genome position (GRCh38, 1-based): chr8:144,321,331, A>G on the plus strand (T>C on the coding strand, the complement: DGAT1 is on the minus strand). VCF-style: chr8-144321331-A-G. GRCh37 (hg19) VCF-style: chr8-145544994-A-G.
Other names: short protein forms V93A.
Identifiers: ClinVar variation 1438294 (VCV001438294.5), dbSNP rs782205654, ClinGen allele CA4937117.
Genomic context (GRCh38, chr8:144,321,331, plus strand): 5'-CAGAGCCCCACCTGGACCTAGACCCGCTCCCGACACCATGTCCCACTCACCAGCATCACC[A>G]CACACCAGTTCAGGATGCCACGGTAGTTGCTGAAGCCACTGTCAGAGCTGAATAAAGAAT-3'
Protein context (NP_036211.2, residues 83-103): SNYRGILNWC[Val93Ala]VMLILSNARL

ClinVar aggregate classification (germline): Uncertain significance (1 of 4 stars; one submission).

Allele frequency attached by ClinVar (database versions not stated): gnomAD exomes below 0.00001; ExAC 0.00001; TOPMed 0.00003.
gnomAD v4.1: 38 of 1,613,802 alleles (0.0024%); highest among the groups gnomAD compares: Non-Finnish European, 0.0027%; no homozygotes.

Submission:

Labcorp Genetics (formerly Invitae), Labcorp
Classification: Uncertain significance. Last evaluated: 2021-09-17. Review status: criteria provided, single submitter. Criteria: Invitae Variant Classification Sherloc (09022015). Collection method: clinical testing. Allele origin: germline.
Comment: This sequence change replaces valine with alanine at codon 93 of the DGAT1 protein (p.Val93Ala). The valine residue is moderately conserved and there is a small physicochemical difference between valine and alanine. This variant is present in population databases (rs782205654, ExAC 0.002%). This variant has not been reported in the literature in individuals affected with DGAT1-related conditions. Algorithms developed to predict the effect of missense changes on protein structure and function (SIFT, PolyPhen-2, Align-GVGD) all suggest that this variant is likely to be tolerated. In summary, the available evidence is currently insufficient to determine the role of this variant in disease. Therefore, it has been classified as a Variant of Uncertain Significance.